The following is an entry in ClinVar:

NM_003036.4(SKI):c.2186_*9dup (p.Ter729=)

Gene: SKI (SKI proto-oncogene; plus strand). Cytogenetic location: 1p36.32.
Variant type: Duplication.
Coding change: c.2186_*9dup on transcript NM_003036.4 (MANE Select); coding-DNA position 2186 through 9 bases downstream of the stop codon, 11 bases duplicated (AGATTCCGTGC).
Protein change: p.Ter729=.
Molecular consequence: no sequence alteration.
Genome position (GRCh38, 1-based): chr1:2,306,764-2,306,774, AGATTCCGTGC duplicated. VCF-style (leftmost placement, unchanged base first): chr1-2306763-T-TAGATTCCGTGC. GRCh37 (hg19) VCF-style: chr1-2238202-T-TAGATTCCGTGC.
Identifiers: ClinVar variation 1044180 (VCV001044180.6), dbSNP rs1640597997, ClinGen allele CA1149559934.

ClinVar aggregate classification (germline): Uncertain significance (1 of 4 stars; one submission).

Conditions:
Shprintzen-Goldberg syndrome (SGS). Also called: Marfanoid disorder with craniosynostosis type 1; Marfanoid craniosynostosis syndrome; Shprintzen-Goldberg marfanoid syndrome; SHPRINTZEN-GOLDBERG CRANIOSYNOSTOSIS SYNDROME; CRANIOSYNOSTOSIS WITH ARACHNODACTYLY AND ABDOMINAL HERNIAS. Identifiers: Orphanet 2462, MedGen C1321551, MONDO:0008426, OMIM 182212.

Submission:

Labcorp Genetics (formerly Invitae), Labcorp
Classification: Uncertain significance for Shprintzen-Goldberg syndrome. Last evaluated: 2020-10-27. Review status: criteria provided, single submitter. Criteria: Invitae Variant Classification Sherloc (09022015). Collection method: clinical testing. Allele origin: germline.
Comment: This variant occurs in a non-coding region of the SKI gene. It does not change the encoded amino acid sequence of the SKI protein. The frequency data for this variant in the population databases is considered unreliable, as metrics indicate insufficient coverage at this position in the ExAC database. This variant has not been reported in the literature in individuals with SKI-related conditions. Algorithms developed to predict the effect of sequence changes on RNA splicing suggest that this variant may create or strengthen a splice site, but this prediction has not been confirmed by published transcriptional studies. In summary, the available evidence is currently insufficient to determine the role of this variant in disease. Therefore, it has been classified as a Variant of Uncertain Significance.